The following is an entry in ClinVar:

ClinVar aggregate classification (germline): Conflicting classifications of pathogenicity. Review status: criteria provided, conflicting classifications (1 of 4 stars). 2 submissions from 2 submitters: Uncertain significance (1); Likely benign (1). Last evaluated 2024-03-07.

Conditions:
Breast-ovarian cancer, familial, susceptibility to, 4. Identifiers: Orphanet 145, MedGen C3280345, MONDO:0013669, OMIM 614291.
Hereditary cancer-predisposing syndrome. Also called: Neoplastic Syndromes, Hereditary; Tumor predisposition; Hereditary Cancer Syndrome; Hereditary neoplastic syndrome. Identifiers: Orphanet 140162, MedGen C0027672, MeSH D009386, MONDO:0015356.

Submissions (2):

Labcorp Genetics (formerly Invitae), Labcorp
Classification: Uncertain significance for Breast-ovarian cancer, familial, susceptibility to, 4. Last evaluated: 2024-03-07. Review status: criteria provided, single submitter. Criteria: Invitae Variant Classification Sherloc (09022015). Collection method: clinical testing. Allele origin: germline.
Comment: This sequence change replaces isoleucine, which is neutral and non-polar, with methionine, which is neutral and non-polar, at codon 281 of the RAD51D protein (p.Ile281Met). This variant is not present in population databases (gnomAD no frequency). This variant has not been reported in the literature in individuals affected with RAD51D-related conditions. ClinVar contains an entry for this variant (Variation ID: 484785). Advanced modeling of protein sequence and biophysical properties (such as structural, functional, and spatial information, amino acid conservation, physicochemical variation, residue mobility, and thermodynamic stability) performed at Invitae indicates that this missense variant is not expected to disrupt RAD51D protein function with a negative predictive value of 80%. In summary, the available evidence is currently insufficient to determine the role of this variant in disease. Therefore, it has been classified as a Variant of Uncertain Significance.

Ambry Genetics
Classification: Likely benign for Hereditary cancer-predisposing syndrome. Last evaluated: 2024-02-26. Review status: criteria provided, single submitter. Criteria: Ambry Variant Classification Scheme 2023. Collection method: clinical testing. Allele origin: germline.

NM_002878.4(RAD51D):c.843C>G (p.Ile281Met)

Genes: RAD51L3-RFFL (RAD51L3-RFFL readthrough; minus strand), RAD51D (RAD51 paralog D; minus strand). Cytogenetic location: 17q12.
Variant type: single nucleotide variant.
Coding change: c.843C>G on transcript NM_002878.4 (MANE Select); coding-DNA position 843, C replaced by G.
Protein change: p.Ile281Met; replaces isoleucine 281 with methionine.
Molecular consequence: missense variant. On other transcripts: non-coding transcript variant (3).
Genome position (GRCh38, 1-based): chr17:35,101,261, G>C on the plus strand (C>G on the coding strand, the complement: RAD51D is on the minus strand). VCF-style: chr17-35101261-G-C. GRCh37 (hg19) VCF-style: chr17-33428280-G-C.
Other names: c.903C>G, p.Ile301Met (NM_001142571.2); c.507C>G, p.Ile169Met (NM_133629.3); short protein forms I281M, I169M, I301M.
Identifiers: ClinVar variation 484785 (VCV000484785.11), dbSNP rs754455433, ClinGen allele CA399086604.
Genomic context (GRCh38, chr17:35,101,261, plus strand): 5'-CTGTCGGGAAGATTTGGCCAGACACGCCATGCGCCGGCCGCCTGATGCTCCTGCTCCCTC[G>C]ATGGTGTCCAGGAGAATCCGAGTGCTGGGCACAAAGCTCCAGGAGCGTCCGAGGGCAGGT-3'
Protein context (NP_002869.3, residues 271-291): VPSTRILLDT[Ile281Met]EGAGASGGRR